The following is an entry in ClinVar:

NM_007215.4(POLG2):c.151G>C (p.Glu51Gln)

Genes: MILR1 (mast cell immunoglobulin like receptor 1; plus strand), POLG2 (DNA polymerase gamma 2, accessory subunit; minus strand). Cytogenetic location: 17q23.3.
Variant type: single nucleotide variant.
Coding change: c.151G>C on transcript NM_007215.4 (MANE Select); coding-DNA position 151, G replaced by C.
Protein change: p.Glu51Gln; replaces glutamic acid 51 with glutamine.
Molecular consequence: missense variant.
Genome position (GRCh38, 1-based): chr17:64,496,818, C>G on the plus strand (G>C on the coding strand, the complement: POLG2 is on the minus strand). VCF-style: chr17-64496818-C-G. GRCh37 (hg19) VCF-style: chr17-62492936-C-G.
Other names: short protein forms E51Q.
Identifiers: ClinVar variation 3674617 (VCV003674617.2).

ClinVar aggregate classification (germline): Uncertain significance (1 of 4 stars; one submission).

gnomAD v4.1: 9 of 1,613,866 alleles (0.00056%); highest among the groups gnomAD compares: Non-Finnish European, 0.00076%; no homozygotes.

Submission:

Labcorp Genetics (formerly Invitae), Labcorp
Classification: Uncertain significance. Last evaluated: 2025-04-25. Review status: criteria provided, single submitter. Criteria: Invitae Variant Classification Sherloc (09022015). Collection method: clinical testing. Allele origin: germline.
Comment: This sequence change replaces glutamic acid, which is acidic and polar, with glutamine, which is neutral and polar, at codon 51 of the POLG2 protein (p.Glu51Gln). This variant is not present in population databases (gnomAD no frequency). This variant has not been reported in the literature in individuals affected with POLG2-related conditions. ClinVar contains an entry for this variant (Variation ID: 3674617). An algorithm developed to predict the effect of missense changes on protein structure and function outputs the following: PolyPhen-2: "Benign". The glutamine amino acid residue is found in multiple mammalian species, which suggests that this missense change does not adversely affect protein function. In summary, the available evidence is currently insufficient to determine the role of this variant in disease. Therefore, it has been classified as a Variant of Uncertain Significance.